The following is an entry in ClinVar:

NM_006306.4(SMC1A):c.1526G>A (p.Arg509His)

Gene: SMC1A (structural maintenance of chromosomes 1A; minus strand). Cytogenetic location: Xp11.22.
Variant type: single nucleotide variant.
Coding change: c.1526G>A on transcript NM_006306.4 (MANE Select); coding-DNA position 1526, G replaced by A.
Protein change: p.Arg509His; replaces arginine 509 with histidine.
Molecular consequence: missense variant.
Genome position (GRCh38, 1-based): chrX:53,409,081, C>T on the plus strand (G>A on the coding strand, the complement: SMC1A is on the minus strand). VCF-style: chrX-53409081-C-T. GRCh37 (hg19) VCF-style: chrX-53436012-C-T.
Other names: c.1460G>A, p.Arg487His (NM_001281463.1); short protein forms R487H, R509H.
Identifiers: ClinVar variation 3602310 (VCV003602310.1).
Genomic context (GRCh38, chrX:53,409,081, plus strand): 5'-AGTGTAAGTGCTCAGGAAATGAGTTCCCTCTCTGCTCTTACCACAGAGCCAGGGTAAAGG[C>T]GCTTGATGCTTTCCATTATCTCTGCCTTTCGCTGCTGGCGGCTGCTCTCCTGGCGGTCGA-3'
Protein context (NP_006297.2, residues 499-519): RKAEIMESIK[Arg509His]LYPGSVYGRL

ClinVar aggregate classification (germline): Uncertain significance (1 of 4 stars; one submission).

Submission:

GeneDx
Classification: Uncertain significance. Last evaluated: 2024-07-22. Review status: criteria provided, single submitter. Criteria: GeneDx Variant Classification Process June 2021. Collection method: clinical testing. Allele origin: germline. Affected: yes.
Comment: Not observed at significant frequency in large population cohorts (gnomAD); Missense variants in this gene are a common cause of disease and they are underrepresented in the general population; In silico analysis supports that this missense variant has a deleterious effect on protein structure/function; Has not been previously published as pathogenic or benign to our knowledge